The following is an entry in ClinVar:

ClinVar aggregate classification (germline): Benign. Review status: criteria provided, single submitter (1 of 4 stars). 2 submissions from 2 submitters: Benign (1). 1 of the submissions does not count toward it. Last evaluated 2026-02-01.

Conditions:
POLR1A-related disorder. Also called: POLR1A-related condition.

Allele frequency attached by ClinVar (database versions not stated): gnomAD exomes 0.00156; ExAC 0.00198; ESP Exome Variant Server 0.00497; gnomAD 0.00538 and 0.00572; TOPMed 0.00617; 1000 Genomes Project 0.00919; 1000 Genomes Project 30x 0.01015.
gnomAD v4.1: 1,683 of 1,570,194 alleles (0.11%); highest among the groups gnomAD compares: African/African-American, 1.9%; 14 homozygotes.

Submissions (2):

Labcorp Genetics (formerly Invitae), Labcorp
Classification: Benign. Last evaluated: 2026-02-01. Review status: criteria provided, single submitter. Criteria: Invitae Variant Classification Sherloc (09022015). Collection method: clinical testing. Allele origin: germline.

PreventionGenetics, part of Exact Sciences
Classification: Benign for POLR1A-related condition. Last evaluated: 2024-04-03. Review status: no assertion criteria provided. Collection method: clinical testing. Allele origin: germline. Not counted in ClinVar's aggregate classification.
Comment: This variant is classified as benign based on ACMG/AMP sequence variant interpretation guidelines (Richards et al. 2015 PMID: 25741868, with internal and published modifications).

NM_015425.6(POLR1A):c.2209-4G>A

Gene: POLR1A (RNA polymerase I subunit A; minus strand). Cytogenetic location: 2p11.2.
Variant type: single nucleotide variant.
Coding change: c.2209-4G>A on transcript NM_015425.6 (MANE Select); 4 bases into the intron before coding-DNA position 2209, G replaced by A.
Molecular consequence: intron variant.
Genome position (GRCh38, 1-based): chr2:86,053,004, C>T on the plus strand (G>A on the coding strand, the complement: POLR1A is on the minus strand). VCF-style: chr2-86053004-C-T. GRCh37 (hg19) VCF-style: chr2-86280127-C-T.
Identifiers: ClinVar variation 709605 (VCV000709605.10), dbSNP rs188670120, ClinGen allele CA1746128.